The following is an entry in ClinVar:

ClinVar aggregate classification (germline): Likely pathogenic (1 of 4 stars; one submission).

Conditions:
Autosomal dominant nonsyndromic hearing loss 15 (DFNA15). Also called: Autosomal dominant nonsyndromic hearing loss 52; DEAFNESS, AUTOSOMAL DOMINANT 52. Identifiers: Orphanet 90635, MedGen C1865366, MONDO:0011226, OMIM 602459.

Submission:

Precision Medicine Center, Zhengzhou University
Classification: Likely pathogenic for Autosomal dominant nonsyndromic hearing loss 15. Last evaluated: 2006-06-30. Review status: criteria provided, single submitter. Criteria: ClinGen HL ACMG Specifications v1. Collection method: clinical testing. Allele origin: paternal. Affected: yes.
Comment: PS3+PM2:The POU4F3 c.665C>G variant is absent or extremely rare in population databases, including gnomAD, supporting its rarity in the general population (PM2). In addition, limited functional evidence suggests that this missense variant may have a deleterious effect on POU4F3 protein function (PMID: 28545070)(PS3); however, the strength of the available experimental data is insufficient to establish a definitive loss-of-function or pathogenic mechanism. No segregation data, de novo evidence, or multiple independent affected individuals have been reported to further support pathogenicity. Based on the ACMG/AMP guidelines, this variant meets the PM2 and PS3 criteria and is therefore classified as Likely pathogenic.

Literature cited by the submitters: PubMed 28545070.

NM_002700.3(POU4F3):c.665C>G (p.Ser222Trp)

Genes: POU4F3 (POU class 4 homeobox 3; plus strand), RBM27-POU4F3 (RBM27-POU4F3 readthrough; plus strand). Cytogenetic location: 5q32.
Variant type: single nucleotide variant.
Coding change: c.665C>G on transcript NM_002700.3 (MANE Select); coding-DNA position 665, C replaced by G.
Protein change: p.Ser222Trp; replaces serine 222 with tryptophan.
Molecular consequence: missense variant. On other transcripts: 3 prime UTR variant (1).
Genome position (GRCh38, 1-based): chr5:146,340,092, C>G. VCF-style: chr5-146340092-C-G. GRCh37 (hg19) VCF-style: chr5-145719655-C-G.
Other names: c.*534C>G (NM_001414499.1); short protein forms S222W.
Identifiers: ClinVar variation 4857383 (VCV004857383.1).